The following is an entry in ClinVar:

ClinVar aggregate classification (germline): Uncertain significance (1 of 4 stars; one submission).

Conditions:
Hereditary spastic paraplegia 30. Identifiers: Orphanet 101010, MedGen C5235139, MONDO:0012476.
Neuropathy, hereditary sensory, type 2C. Also called: Hereditary sensory and autonomic neuropathy type IIC; KIF1A-Related HSAN2 (HSAN2C). Identifiers: Orphanet 970, MedGen C3280168, MONDO:0013634, OMIM 614213.
Intellectual disability, autosomal dominant 9 (NESCAVS). Also called: NESCAV SYNDROME; KIF1A-Related Neurodevelopmental Disorder. Identifiers: Orphanet 662367, MedGen C5393830, MONDO:0013656, OMIM 614255.

Submission:

Labcorp Genetics (formerly Invitae), Labcorp
Classification: Uncertain significance for Hereditary spastic paraplegia 30; Neuropathy, hereditary sensory, type 2C; Intellectual disability, autosomal dominant 9. Last evaluated: 2022-08-13. Review status: criteria provided, single submitter. Criteria: Invitae Variant Classification Sherloc (09022015). Collection method: clinical testing. Allele origin: germline.
Comment: In summary, the available evidence is currently insufficient to determine the role of this variant in disease. Therefore, it has been classified as a Variant of Uncertain Significance. Variants that disrupt the consensus splice site are a relatively common cause of aberrant splicing (PMID: 17576681, 9536098). Algorithms developed to predict the effect of sequence changes on RNA splicing suggest that this variant is not likely to affect RNA splicing. This variant has not been reported in the literature in individuals affected with KIF1A-related conditions. This variant is not present in population databases (gnomAD no frequency). This sequence change falls in intron 1 of the KIF1A gene. It does not directly change the encoded amino acid sequence of the KIF1A protein. It affects a nucleotide within the consensus splice site.

Literature cited by the submitters: PubMed 17576681; PubMed 9536098.

NM_001244008.2(KIF1A):c.106+3G>T

Gene: KIF1A (kinesin family member 1A; minus strand). Cytogenetic location: 2q37.3.
Variant type: single nucleotide variant.
Coding change: c.106+3G>T on transcript NM_001244008.2 (MANE Select); 3 bases into the intron after coding-DNA position 106, G replaced by T.
Molecular consequence: intron variant.
Genome position (GRCh38, 1-based): chr2:240,797,644, C>A on the plus strand (G>T on the coding strand, the complement: KIF1A is on the minus strand). VCF-style: chr2-240797644-C-A. GRCh37 (hg19) VCF-style: chr2-241737061-C-A.
Other names: c.106+3G>T (NM_001379653.1, NM_001379650.1, NM_001379645.1 and 20 more transcripts).
Identifiers: ClinVar variation 2023981 (VCV002023981.4), dbSNP rs2538654221, ClinGen allele CA2580067990.